The following is an entry in ClinVar:

ClinVar aggregate classification (germline): Likely benign. Review status: criteria provided, multiple submitters, no conflicts (2 of 4 stars). 2 submissions from 2 submitters: Likely benign (2). Last evaluated 2026-04-01.

Conditions:
Inborn genetic diseases. Identifiers: MedGen C0950123, MeSH D030342.

Allele frequency attached by ClinVar (database versions not stated): ESP Exome Variant Server 0.00008; gnomAD exomes 0.00025; ExAC 0.00031; gnomAD 0.00052; 1000 Genomes Project 0.00060; 1000 Genomes Project 30x 0.00062; TOPMed 0.00094.
gnomAD v4.1: 474 of 1,613,828 alleles (0.029%); highest among the groups gnomAD compares: Middle Eastern, 0.31%; 1 homozygote.

Submissions (2):

CeGaT Center for Human Genetics Tuebingen
Classification: Likely benign. Last evaluated: 2026-04-01. Review status: criteria provided, single submitter. Criteria: CeGaT Center For Human Genetics Tuebingen Variant Classification Criteria Version 2. Collection method: clinical testing. Allele origin: germline. Affected: yes. Observed: 5 variant alleles.
Comment: CIC: BS1

Ambry Genetics
Classification: Likely benign for Inborn genetic diseases. Last evaluated: 2022-04-13. Review status: criteria provided, single submitter. Criteria: Ambry Variant Classification Scheme 2023. Collection method: clinical testing. Allele origin: germline.

NM_001386298.1(CIC):c.4951C>T (p.Pro1651Ser)

Gene: CIC (capicua transcriptional repressor; plus strand). Cytogenetic location: 19q13.2.
Variant type: single nucleotide variant.
Coding change: c.4951C>T on transcript NM_001386298.1 (MANE Select); coding-DNA position 4951, C replaced by T.
Protein change: p.Pro1651Ser; replaces proline 1651 with serine.
Molecular consequence: missense variant.
Genome position (GRCh38, 1-based): chr19:42,290,992, C>T. VCF-style: chr19-42290992-C-T. GRCh37 (hg19) VCF-style: chr19-42795144-C-T.
Other names: c.4951C>T, p.Pro1651Ser (NM_001304815.2, NM_001379480.1, NM_001379482.1 and 1 more transcripts); c.2224C>T, p.Pro742Ser (NM_001379484.1, NM_001379485.1, NM_015125.5); short protein forms P1651S, P742S.
Identifiers: ClinVar variation 2393770 (VCV002393770.26), dbSNP rs201439084, ClinGen allele CA9472209.